The following is an entry in ClinVar:

NM_005732.4(RAD50):c.289C>T (p.Gln97Ter)

Gene: RAD50 (RAD50 double strand break repair protein; plus strand). Cytogenetic location: 5q31.1.
Variant type: single nucleotide variant.
Coding change: c.289C>T on transcript NM_005732.4 (MANE Select); coding-DNA position 289, C replaced by T.
Protein change: p.Gln97Ter; replaces glutamine 97 with a stop codon.
Molecular consequence: nonsense.
Genome position (GRCh38, 1-based): chr5:132,575,852, C>T. VCF-style: chr5-132575852-C-T. GRCh37 (hg19) VCF-style: chr5-131911544-C-T.
Other names: short protein forms Q97*.
Identifiers: ClinVar variation 1447522 (VCV001447522.8), dbSNP rs2149836428, ClinGen allele CA360930884.
Genomic context (GRCh38, chr5:132,575,852, plus strand): 5'-GATGTGAGAGCCCAGATTCGTCTGCAATTTCGTGATGTCAATGGAGAACTTATAGCTGTG[C>T]AAAGATCTATGGTGTGTACTCAGAAAAGCAAAAAGACAGAATTTAAAACTCTGGAAGGAG-3'

ClinVar aggregate classification (germline): Pathogenic. Review status: criteria provided, multiple submitters, no conflicts (2 of 4 stars). 2 submissions from 2 submitters: Pathogenic (2). Last evaluated 2022-08-09.

Conditions:
Hereditary cancer-predisposing syndrome. Also called: Hereditary Cancer Syndrome; Hereditary neoplastic syndrome; Neoplastic Syndromes, Hereditary; Tumor predisposition. Identifiers: Orphanet 140162, MedGen C0027672, MeSH D009386, MONDO:0015356.

Submissions (2):

Labcorp Genetics (formerly Invitae), Labcorp
Classification: Pathogenic for Hereditary cancer-predisposing syndrome. Last evaluated: 2022-08-09. Review status: criteria provided, single submitter. Criteria: Invitae Variant Classification Sherloc (09022015). Collection method: clinical testing. Allele origin: germline.
Comment: For these reasons, this variant has been classified as Pathogenic. ClinVar contains an entry for this variant (Variation ID: 1447522). This variant has not been reported in the literature in individuals affected with RAD50-related conditions. This variant is not present in population databases (gnomAD no frequency). This sequence change creates a premature translational stop signal (p.Gln97*) in the RAD50 gene. It is expected to result in an absent or disrupted protein product. Loss-of-function variants in RAD50 are known to be pathogenic (PMID: 19409520).

Ambry Genetics
Classification: Pathogenic for Hereditary cancer-predisposing syndrome. Last evaluated: 2021-09-27. Review status: criteria provided, single submitter. Criteria: Ambry Variant Classification Scheme 2023. Collection method: clinical testing. Allele origin: germline.
Comment: The p.Q97* pathogenic mutation (also known as c.289C>T), located in coding exon 3 of the RAD50 gene, results from a C to T substitution at nucleotide position 289. This changes the amino acid from a glutamine to a stop codon within coding exon 3. This variant is considered to be rare based on population cohorts in the Genome Aggregation Database (gnomAD). This alteration is expected to result in loss of function by premature protein truncation or nonsense-mediated mRNA decay. As such, this alteration is interpreted as a disease-causing mutation.

Literature cited by the submitters: PubMed 19409520 (cited by Labcorp Genetics (formerly Invitae), Labcorp).